The following is an entry in ClinVar:

NM_005445.4(SMC3):c.2708G>T (p.Arg903Leu)

Gene: SMC3 (structural maintenance of chromosomes 3; plus strand). Cytogenetic location: 10q25.2.
Variant type: single nucleotide variant.
Coding change: c.2708G>T on transcript NM_005445.4 (MANE Select); coding-DNA position 2708, G replaced by T.
Protein change: p.Arg903Leu; replaces arginine 903 with leucine.
Molecular consequence: missense variant.
Genome position (GRCh38, 1-based): chr10:110,601,700, G>T. VCF-style: chr10-110601700-G-T. GRCh37 (hg19) VCF-style: chr10-112361458-G-T.
Other names: short protein forms R903L.
Identifiers: ClinVar variation 3702694 (VCV003702694.2).

ClinVar aggregate classification (germline): Uncertain significance (1 of 4 stars; one submission).

Conditions:
Cornelia de Lange syndrome 3 (CDLS3). Also called: SMC3-Related Cornelia de Lange Syndrome; CORNELIA DE LANGE SYNDROME 3 WITH OR WITHOUT MIDLINE BRAIN DEFECTS. Identifiers: Orphanet 199, MedGen C1853099, MONDO:0012555, OMIM 610759.

Submission:

Labcorp Genetics (formerly Invitae), Labcorp
Classification: Uncertain significance for Cornelia de Lange syndrome 3. Last evaluated: 2024-08-27. Review status: criteria provided, single submitter. Criteria: Invitae Variant Classification Sherloc (09022015). Collection method: clinical testing. Allele origin: germline.
Comment: This sequence change replaces arginine, which is basic and polar, with leucine, which is neutral and non-polar, at codon 903 of the SMC3 protein (p.Arg903Leu). This variant is present in population databases (rs754501454, gnomAD 0.006%). This variant has not been reported in the literature in individuals affected with SMC3-related conditions. Invitae Evidence Modeling of protein sequence and biophysical properties (such as structural, functional, and spatial information, amino acid conservation, physicochemical variation, residue mobility, and thermodynamic stability) indicates that this missense variant is not expected to disrupt SMC3 protein function with a negative predictive value of 80%. In summary, the available evidence is currently insufficient to determine the role of this variant in disease. Therefore, it has been classified as a Variant of Uncertain Significance.